The following is an entry in ClinVar:

ClinVar aggregate classification (germline): Uncertain significance (1 of 4 stars; one submission).

Allele frequency attached by ClinVar (database versions not stated): gnomAD exomes below 0.00001.
gnomAD v4.1: 1 of 1,612,632 alleles (0.000062%); highest among the groups gnomAD compares: Non-Finnish European, 0.000085%; no homozygotes.

Submission:

Labcorp Genetics (formerly Invitae), Labcorp
Classification: Uncertain significance. Last evaluated: 2023-02-09. Review status: criteria provided, single submitter. Criteria: Invitae Variant Classification Sherloc (09022015). Collection method: clinical testing. Allele origin: germline.
Comment: This variant has not been reported in the literature in individuals affected with AGAP1-related conditions. In summary, the available evidence is currently insufficient to determine the role of this variant in disease. Therefore, it has been classified as a Variant of Uncertain Significance. Algorithms developed to predict the effect of missense changes on protein structure and function are either unavailable or do not agree on the potential impact of this missense change (SIFT: "Deleterious"; PolyPhen-2: "Probably Damaging"; Align-GVGD: "Class C15"). This variant is not present in population databases (gnomAD no frequency). This sequence change replaces tyrosine, which is neutral and polar, with cysteine, which is neutral and slightly polar, at codon 738 of the AGAP1 protein (p.Tyr738Cys).

NM_001037131.3(AGAP1):c.2372A>G (p.Tyr791Cys)

Gene: AGAP1 (ArfGAP with GTPase domain, ankyrin repeat and PH domain 1; plus strand). Cytogenetic location: 2q37.2.
Variant type: single nucleotide variant.
Coding change: c.2372A>G on transcript NM_001037131.3 (MANE Select); coding-DNA position 2372, A replaced by G.
Protein change: p.Tyr791Cys; replaces tyrosine 791 with cysteine.
Molecular consequence: missense variant.
Genome position (GRCh38, 1-based): chr2:236,123,920, A>G. VCF-style: chr2-236123920-A-G. GRCh37 (hg19) VCF-style: chr2-237032564-A-G.
Other names: c.2213A>G, p.Tyr738Cys (NM_014914.5); short protein forms Y791C, Y738C.
Identifiers: ClinVar variation 2835838 (VCV002835838.3), dbSNP rs2471088563, ClinGen allele CA351161432.